The following is an entry in ClinVar:

GRCh38/hg38 7q11.23(chr7:75065669-75704220)x1

Genes: GTF2IRD2B (GTF2I repeat domain containing 2B; plus strand), HIP1 (huntingtin interacting protein 1; minus strand), POM121C (POM121 transmembrane nucleoporin C; minus strand), RCC1L (RCC1 like; minus strand), SPDYE13 (speedy/RINGO cell cycle regulator family member E13; plus strand) and 19 more. Cytogenetic location: 7q11.23.
Variant type: copy number loss.
Change: copy number 1 (one copy instead of two) of chr7:75,065,669-75,704,220 (638.6 kb, GRCh38 coordinates, 1-based), cytogenetic band 7q11.23.
Identifiers: ClinVar variation 57158 (VCV000057158.1).

ClinVar aggregate classification (germline): Uncertain significance (1 of 4 stars; one submission).

Submission:

ISCA site 4
Classification: Uncertain significance. Last evaluated: 2011-08-12. Review status: criteria provided, single submitter. Criteria: Kaminsky et al. (Genet Med. 2011). Collection method: clinical testing. Allele origin: unknown. Affected: yes. Observed: 1 variant allele.
Comment: Copy number variation identified through the course of routine clinical cytogenomic testing in postnatal populations. Clinical assertions have been curated as described in Kaminsky et al. 2011.